The following is an entry in ClinVar:

ClinVar aggregate classification (germline): Uncertain significance. Review status: criteria provided, multiple submitters, no conflicts (2 of 4 stars). 2 submissions from 2 submitters: Uncertain significance (2). Last evaluated 2025-12-11.

gnomAD v4.1: 5 of 1,604,030 alleles (0.00031%); highest among the groups gnomAD compares: Admixed American, 0.0067%; no homozygotes.

Submissions (2):

Women's Health and Genetics/Laboratory Corporation of America, LabCorp
Classification: Uncertain significance. Last evaluated: 2025-12-11. Review status: criteria provided, single submitter. Criteria: LabCorp Variant Classification Summary - May 2015. Collection method: clinical testing. Allele origin: germline.
Comment: Variant summary: CDH15 c.2413C>G (p.Leu805Val) results in a conservative amino acid change in the encoded protein sequence. Algorithms developed to predict the effect of missense changes on protein structure and function all suggest that this variant is likely to be tolerated. The variant allele was found at a frequency of 2.1e-05 in 242736 control chromosomes. The available data on variant occurrences in the general population are insufficient to allow any conclusion about variant significance. To our knowledge, no occurrence of c.2413C>G in individuals affected with CDH15-related conditions and no experimental evidence demonstrating its impact on protein function have been reported. ClinVar contains an entry for this variant (Variation ID: 4223680). Based on the evidence outlined above, the variant was classified as uncertain significance.

Ambry Genetics
Classification: Uncertain significance. Last evaluated: 2025-09-05. Review status: criteria provided, single submitter. Criteria: Ambry Variant Classification Scheme 2023. Collection method: clinical testing. Allele origin: germline.

NM_004933.3(CDH15):c.2413C>G (p.Leu805Val)

Gene: CDH15 (cadherin 15; plus strand). Cytogenetic location: 16q24.3.
Variant type: single nucleotide variant.
Coding change: c.2413C>G on transcript NM_004933.3 (MANE Select); coding-DNA position 2413, C replaced by G.
Protein change: p.Leu805Val; replaces leucine 805 with valine.
Molecular consequence: missense variant.
Genome position (GRCh38, 1-based): chr16:89,195,123, C>G. VCF-style: chr16-89195123-C-G. GRCh37 (hg19) VCF-style: chr16-89261531-C-G.
Other names: short protein forms L805V.
Identifiers: ClinVar variation 4223680 (VCV004223680.2).